The following is an entry in ClinVar:

ClinVar aggregate classification (germline): Likely benign (0 of 4 stars; one submission).

Conditions:
PPARG-related disorder. Also called: PPARG-related disorders; PPARG-related condition.

Submission:

PreventionGenetics, part of Exact Sciences
Classification: Likely benign for PPARG-related condition. Last evaluated: 2024-06-26. Review status: no assertion criteria provided. Collection method: clinical testing. Allele origin: germline.
Comment: This variant is classified as likely benign based on ACMG/AMP sequence variant interpretation guidelines (Richards et al. 2015 PMID: 25741868, with internal and published modifications).

NM_138711.6(PPARG):c.-8-28073A>G

Gene: PPARG (peroxisome proliferator activated receptor gamma; plus strand). Cytogenetic location: 3p25.2.
Variant type: single nucleotide variant.
Coding change: c.-8-28073A>G on transcript NM_138711.6 (MANE Select); 28073 bases into the intron before 8 bases upstream of the start codon, A replaced by G.
Molecular consequence: intron variant. On other transcripts: synonymous variant (3).
Genome position (GRCh38, 1-based): chr3:12,351,631, A>G. VCF-style: chr3-12351631-A-G. GRCh37 (hg19) VCF-style: chr3-12393130-A-G.
Other names: c.39A>G, p.Glu13= (NM_001354668.2, NM_001374265.1, NM_015869.5); c.-8-28073A>G (NM_001354666.3, NM_138712.5, NM_005037.7 and 5 more transcripts); c.-435-28073A>G (NM_001354669.2); c.-9+6737A>G (NM_001374262.3); c.-2-28073A>G (NM_001374266.1, NM_001354670.2).
Identifiers: ClinVar variation 3355020 (VCV003355020.1).
Genomic context (GRCh38, chr3:12,351,631, plus strand): 5'-CAAACCCCTATTCCATGCTGTTATGGGTGAAACTCTGGGAGATTCTCCTATTGACCCAGA[A>G]AGCGATTCCTTCACTGATACACTGTCTGCAAACATATCACAAGGTAAAGTTCCTTCCAGA-3'